The following is an entry in ClinVar:

ClinVar aggregate classification (germline): Pathogenic (1 of 4 stars; one submission).

Conditions:
Marfan syndrome (MFS). Also called: MARFAN SYNDROME, TYPE I; Marfan syndrome type 1; Marfan's syndrome; Marfan syndrome, classic; FBN1-Related Marfan Syndrome. Identifiers: Orphanet 284963, Orphanet 558, MedGen C0024796, MONDO:0007947, OMIM 154700.
Familial thoracic aortic aneurysm and aortic dissection (TAAD). Also called: Thoracic aortic aneurysms and dissections. Identifiers: Orphanet 91387, MedGen C4707243, MONDO:0019625.

Submission:

Labcorp Genetics (formerly Invitae), Labcorp
Classification: Pathogenic for Marfan syndrome; Familial thoracic aortic aneurysm and aortic dissection. Last evaluated: 2021-06-20. Review status: criteria provided, single submitter. Criteria: Invitae Variant Classification Sherloc (09022015). Collection method: clinical testing. Allele origin: germline.
Comment: This variant is a gross deletion of the genomic region encompassing exon(s) 64-66 of the FBN1 gene. The 5' boundary is likely confined to intron 63. The 3' end of this event is unknown as it extends through the termination codon beyond the assayed region for this gene and may encompass additional genes. While this deletion is not anticipated to lead to nonsense mediated decay, it is expected to alter mRNA translation or result in a truncated protein product. This variant has not been reported in the literature in individuals with FBN1-related conditions. This variant disrupts the C-terminus of the FBN1 protein. Other variant(s) that disrupt this region (p.Leu2854Profs*9, p.Gln2830*, p.Arg2776*) have been determined to be pathogenic (PMID: 19293843, 7911051, 9338581, 11826022). This suggests that variants that disrupt this region of the protein are likely to be causative of disease. For these reasons, this variant has been classified as Pathogenic.

Literature cited by the submitters: PubMed 19293843; PubMed 7911051; PubMed 9338581; PubMed 11826022.

NC_000015.9:g.(?_48703187)_(48707984_?)del

Gene: FBN1 (fibrillin 1; minus strand). Cytogenetic location: 15q21.1.
Variant type: Deletion.
Identifiers: ClinVar variation 1454597 (VCV001454597.6).